The following is an entry in ClinVar:

ClinVar aggregate classification (germline): Uncertain significance (1 of 4 stars; one submission).

Submission:

Labcorp Genetics (formerly Invitae), Labcorp
Classification: Uncertain significance. Last evaluated: 2025-02-26. Review status: criteria provided, single submitter. Criteria: Invitae Variant Classification Sherloc (09022015). Collection method: clinical testing. Allele origin: germline.
Comment: This sequence change replaces asparagine, which is neutral and polar, with lysine, which is basic and polar, at codon 513 of the ASXL2 protein (p.Asn513Lys). This variant is not present in population databases (gnomAD no frequency). This variant has not been reported in the literature in individuals affected with ASXL2-related conditions. Invitae Evidence Modeling of protein sequence and biophysical properties (such as structural, functional, and spatial information, amino acid conservation, physicochemical variation, residue mobility, and thermodynamic stability) indicates that this missense variant is not expected to disrupt ASXL2 protein function with a negative predictive value of 80%. In summary, the available evidence is currently insufficient to determine the role of this variant in disease. Therefore, it has been classified as a Variant of Uncertain Significance.

NM_018263.6(ASXL2):c.1539C>G (p.Asn513Lys)

Gene: ASXL2 (ASXL transcriptional regulator 2; minus strand). Cytogenetic location: 2p23.3.
Variant type: single nucleotide variant.
Coding change: c.1539C>G on transcript NM_018263.6 (MANE Select); coding-DNA position 1539, C replaced by G.
Protein change: p.Asn513Lys; replaces asparagine 513 with lysine.
Molecular consequence: missense variant.
Genome position (GRCh38, 1-based): chr2:25,750,017, G>C on the plus strand (C>G on the coding strand, the complement: ASXL2 is on the minus strand). VCF-style: chr2-25750017-G-C. GRCh37 (hg19) VCF-style: chr2-25972886-G-C.
Other names: c.1365C>G, p.Asn455Lys (NM_001369346.1); c.759C>G, p.Asn253Lys (NM_001369347.1); short protein forms N253K, N513K, N455K.
Identifiers: ClinVar variation 4741808 (VCV004741808.1).